The following is an entry in ClinVar:

NM_001005361.3(DNM2):c.162-7C>T

Gene: DNM2 (dynamin 2; plus strand). Cytogenetic location: 19p13.2.
Variant type: single nucleotide variant.
Coding change: c.162-7C>T on transcript NM_001005361.3 (MANE Select); 7 bases into the intron before coding-DNA position 162, C replaced by T.
Molecular consequence: intron variant.
Genome position (GRCh38, 1-based): chr19:10,759,731, C>T. VCF-style: chr19-10759731-C-T. GRCh37 (hg19) VCF-style: chr19-10870407-C-T.
Other names: c.162-7C>T (NM_001005360.3, NM_001190716.2, NM_004945.4 and 1 more transcripts).
Identifiers: ClinVar variation 509358 (VCV000509358.18), dbSNP rs148318860, ClinGen allele CA9200719.

ClinVar aggregate classification (germline): Benign/Likely benign. Review status: criteria provided, multiple submitters, no conflicts (2 of 4 stars). 4 submissions from 4 submitters: Benign (1); Likely benign (3). Last evaluated 2025-11-05.

Conditions:
DNM2-related disorder. Also called: DNM2-related condition.
Charcot-Marie-Tooth disease dominant intermediate B (CMTDIB). Also called: CHARCOT-MARIE-TOOTH NEUROPATHY, DOMINANT INTERMEDIATE B; Charcot-Marie-Tooth disease dominant intermediate 1; CMT DI1; Charcot-Marie-Tooth disease dominant intermediate I. Identifiers: Orphanet 100044, Orphanet 228179, MedGen C1847902, MONDO:0011674, OMIM 606482.

Allele frequency attached by ClinVar (database versions not stated): TOPMed 0.00032.
gnomAD v4.1: 72 of 1,614,054 alleles (0.0045%); highest among the groups gnomAD compares: African/African-American, 0.075%; no homozygotes.

Submissions (4):

Labcorp Genetics (formerly Invitae), Labcorp
Classification: Likely benign for Charcot-Marie-Tooth disease dominant intermediate B. Last evaluated: 2025-11-05. Review status: criteria provided, single submitter. Criteria: Invitae Variant Classification Sherloc (09022015). Collection method: clinical testing. Allele origin: germline.

PreventionGenetics, part of Exact Sciences
Classification: Likely benign for DNM2-related condition. Last evaluated: 2025-06-03. Review status: criteria provided, single submitter. Criteria: ACMG Guidelines, 2015. Collection method: clinical testing. Allele origin: germline.
Comment: This variant is classified as likely benign based on ACMG/AMP sequence variant interpretation guidelines (Richards et al. 2015 PMID: 25741868, with internal and published modifications).

Women's Health and Genetics/Laboratory Corporation of America, LabCorp
Classification: Benign. Last evaluated: 2025-04-28. Review status: criteria provided, single submitter. Criteria: LabCorp Variant Classification Summary - May 2015. Collection method: clinical testing. Allele origin: germline.

GeneDx
Classification: Likely benign. Last evaluated: 2020-02-12. Review status: criteria provided, single submitter. Criteria: GeneDx Variant Classification Process June 2021. Collection method: clinical testing. Allele origin: germline. Affected: yes.